The following is an entry in ClinVar:

NM_153026.3(PRICKLE1):c.356G>C (p.Arg119Thr)

Gene: PRICKLE1 (prickle planar cell polarity protein 1; minus strand). Cytogenetic location: 12q12.
Variant type: single nucleotide variant.
Coding change: c.356G>C on transcript NM_153026.3 (MANE Select); coding-DNA position 356, G replaced by C.
Protein change: p.Arg119Thr; replaces arginine 119 with threonine.
Molecular consequence: missense variant.
Genome position (GRCh38, 1-based): chr12:42,469,478, C>G on the plus strand (G>C on the coding strand, the complement: PRICKLE1 is on the minus strand). VCF-style: chr12-42469478-C-G. GRCh37 (hg19) VCF-style: chr12-42863280-C-G.
Other names: c.356G>C, p.Arg119Thr (NM_001144881.2, NM_001144882.2, NM_001144883.2); short protein forms R119T.
Identifiers: ClinVar variation 838142 (VCV000838142.8), dbSNP rs961991320, ClinGen allele CA235494116.

ClinVar aggregate classification (germline): Uncertain significance (1 of 4 stars; one submission).

Conditions:
Epilepsy, progressive myoclonic, 1B. Also called: PME. Identifiers: Orphanet 308, MedGen C2676254, MONDO:0012904, OMIM 612437.

Allele frequency attached by ClinVar (database versions not stated): gnomAD 0.00001; TOPMed 0.00003.
gnomAD v4.1: 4 of 1,614,068 alleles (0.00025%); highest among the groups gnomAD compares: African/African-American, 0.0053%; no homozygotes.

Submission:

Labcorp Genetics (formerly Invitae), Labcorp
Classification: Uncertain significance for Epilepsy, progressive myoclonic, 1B. Last evaluated: 2019-11-26. Review status: criteria provided, single submitter. Criteria: Invitae Variant Classification Sherloc (09022015). Collection method: clinical testing. Allele origin: germline.
Comment: This sequence change replaces arginine with threonine at codon 119 of the PRICKLE1 protein (p.Arg119Thr). The arginine residue is highly conserved and there is a moderate physicochemical difference between arginine and threonine. This variant is not present in population databases (ExAC no frequency). This variant has not been reported in the literature in individuals with PRICKLE1-related conditions. Algorithms developed to predict the effect of missense changes on protein structure and function are either unavailable or do not agree on the potential impact of this missense change (SIFT: "Deleterious"; PolyPhen-2: "Benign"; Align-GVGD: "Class C65"). In summary, the available evidence is currently insufficient to determine the role of this variant in disease. Therefore, it has been classified as a Variant of Uncertain Significance.